The following is an entry in ClinVar:

ClinVar aggregate classification (germline): Conflicting classifications of pathogenicity. Review status: criteria provided, conflicting classifications (1 of 4 stars). 3 submissions from 3 submitters: Uncertain significance (2); Likely benign (1). Last evaluated 2021-08-24.

Conditions:
Neuromuscular disease caused by qualitative or quantitative defects of dysferlin. Also called: Dysferlinopathy; Qualitative or quantitative defects of dysferlin. Identifiers: Orphanet 207073, MedGen C2931687, MONDO:0016145.

Submissions (3):

Labcorp Genetics (formerly Invitae), Labcorp
Classification: Uncertain significance for Neuromuscular disease caused by qualitative or quantitative defects of dysferlin. Last evaluated: 2021-08-24. Review status: criteria provided, single submitter. Criteria: Invitae Variant Classification Sherloc (09022015). Collection method: clinical testing. Allele origin: germline.
Comment: This sequence change falls in intron 26 of the DYSF gene. It does not directly change the encoded amino acid sequence of the DYSF protein. This variant is present in population databases (rs761299898, ExAC 0.007%). This variant has not been reported in the literature in individuals affected with DYSF-related conditions. ClinVar contains an entry for this variant (Variation ID: 498969). Algorithms developed to predict the effect of sequence changes on RNA splicing suggest that this variant may disrupt the consensus splice site. In summary, the available evidence is currently insufficient to determine the role of this variant in disease. Therefore, it has been classified as a Variant of Uncertain Significance.

GeneDx
Classification: Likely benign. Last evaluated: 2017-05-12. Review status: criteria provided, single submitter. Criteria: GeneDx Variant Classification (06012015). Collection method: clinical testing. Allele origin: germline. Affected: yes.
Comment: This variant is considered likely benign or benign based on one or more of the following criteria: it is a conservative change, it occurs at a poorly conserved position in the protein, it is predicted to be benign by multiple in silico algorithms, and/or has population frequency not consistent with disease.

Eurofins Ntd Llc (ga)
Classification: Uncertain significance. Last evaluated: 2016-12-25. Review status: criteria provided, single submitter. Criteria: EGL Classification Definitions 2015. Collection method: clinical testing. Allele origin: germline. Observed: 1 variant allele, 1 heterozygote.

NM_001130987.2(DYSF):c.2865-7_2865-5del

Gene: DYSF (dysferlin; plus strand). Cytogenetic location: 2p13.2.
Variant type: Microsatellite.
Coding change: c.2865-7_2865-5del on transcript NM_001130987.2 (MANE Select); 7 bases into the intron before coding-DNA position 2865 through 5 bases into the intron before coding-DNA position 2865, 3 bases deleted (TCC; older notation c.2865-7_2865-5delTCC).
Molecular consequence: intron variant.
Genome position (GRCh38, 1-based): chr2:71,569,813-71,569,815, TCC deleted; deleting any 3 consecutive bases within chr2:71,569,808-71,569,815 gives the same sequence; the c. name uses the placement nearest the transcript's 3' end. VCF-style (leftmost placement, unchanged base first): chr2-71569807-CCCT-C. GRCh37 (hg19) VCF-style: chr2-71796937-CCCT-C.
Other names: c.2904-7_2904-5del (NM_001130979.2); c.2862-7_2862-5del (NM_001130981.2, NM_001130980.2); c.2811-7_2811-5del (NM_001130978.2, NM_003494.4); c.2769-7_2769-5del (NM_001130977.2, NM_001130976.2); c.2907-7_2907-5del (NM_001130982.2); c.2865-7_2865-5del (NM_001130985.2); c.2814-7_2814-5del (NM_001130983.2, NM_001130455.2); c.2772-7_2772-5del (NM_001130984.2, NM_001130986.2); and 1 more.
Identifiers: ClinVar variation 498969 (VCV000498969.7), dbSNP rs761299898, ClinGen allele CA1706313.